The following is an entry in ClinVar:

NM_000214.3(JAG1):c.468T>A (p.Ser156=)

Gene: JAG1 (jagged canonical Notch ligand 1; minus strand). Cytogenetic location: 20p12.2.
Variant type: single nucleotide variant.
Coding change: c.468T>A on transcript NM_000214.3 (MANE Select); coding-DNA position 468, T replaced by A.
Protein change: p.Ser156=; no amino-acid change (serine 156 retained).
Molecular consequence: synonymous variant.
Genome position (GRCh38, 1-based): chr20:10,658,694, A>T on the plus strand (T>A on the coding strand, the complement: JAG1 is on the minus strand). VCF-style: chr20-10658694-A-T. GRCh37 (hg19) VCF-style: chr20-10639342-A-T.
Identifiers: ClinVar variation 3573313 (VCV003573313.2).

Conditions:
Arteriohepatic dysplasia. Also called: Alagille Syndrome. Identifiers: Orphanet 52, MedGen C0085280, MeSH D016738, MONDO:0007318.

Submission:

Gilbert/Spinner Lab, Children's Hospital of Philadelphia
No classification provided (evidence only). Condition: Alagille syndrome. Review status: no classification provided. Collection method: research. Allele origin: not applicable. Functional consequence: functionally_abnormal.
ClinVar note: "not provided" was previously submitted as the classification for the variant. However, the classification appeared to be based only on an observation of functional data so it was converted to no classification on 2025-07-30.